The following is an entry in ClinVar:

NM_004360.5(CDH1):c.2164+1del

Gene: CDH1 (cadherin 1; plus strand). Cytogenetic location: 16q22.1.
Variant type: Deletion.
Coding change: c.2164+1del on transcript NM_004360.5 (MANE Select); the canonical splice donor site of the intron after coding-DNA position 2164, one base deleted (G; older notation c.2164+1delG).
Molecular consequence: splice donor variant.
Genome position (GRCh38, 1-based): chr16:68,823,627, G deleted. VCF-style (leftmost placement, unchanged base first): chr16-68823626-AG-A. GRCh37 (hg19) VCF-style: chr16-68857529-AG-A.
Other names: c.616+1del (NM_001317185.2); c.199+1del (NM_001317186.2); c.1981+1del (NM_001317184.2).
Identifiers: ClinVar variation 2584212 (VCV002584212.2), dbSNP rs2543946411, ClinGen allele CA2582342537.

ClinVar aggregate classification (germline): Likely pathogenic (1 of 4 stars; one submission).

Conditions:
Hereditary diffuse gastric adenocarcinoma (HDGC). Also called: DIFFUSE GASTRIC AND LOBULAR BREAST CANCER SYNDROME. Identifiers: Orphanet 26106, MedGen C1708349, MONDO:0007648, OMIM 137215.

Submission:

Myriad Genetics, Inc.
Classification: Likely pathogenic for Hereditary diffuse gastric adenocarcinoma. Last evaluated: 2023-06-15. Review status: criteria provided, single submitter. Criteria: Myriad Autosomal Dominant, Autosomal Recessive and X-Linked Classification Criteria (2023). Collection method: clinical testing. Allele origin: unknown.
Comment: This variant is considered likely pathogenic. This variant occurs within a consensus splice junction and is predicted to result in abnormal mRNA splicing of either an out-of-frame exon or an in-frame exon necessary for protein stability and/or normal function.